The following is an entry in ClinVar:

NM_032638.5(GATA2):c.391G>A (p.Ala131Thr)

Gene: GATA2 (GATA binding protein 2; minus strand). Cytogenetic location: 3q21.3.
Variant type: single nucleotide variant.
Coding change: c.391G>A on transcript NM_032638.5 (MANE Select); coding-DNA position 391, G replaced by A.
Protein change: p.Ala131Thr; replaces alanine 131 with threonine.
Molecular consequence: missense variant.
Genome position (GRCh38, 1-based): chr3:128,486,207, C>T on the plus strand (G>A on the coding strand, the complement: GATA2 is on the minus strand). VCF-style: chr3-128486207-C-T. GRCh37 (hg19) VCF-style: chr3-128205050-C-T.
Other names: c.391G>A, p.Ala131Thr (NM_001145661.2, NM_001145662.1); short protein forms A131T.
Identifiers: ClinVar variation 2931652 (VCV002931652.3), dbSNP rs2472931698, ClinGen allele CA354406960.

ClinVar aggregate classification (germline): Uncertain significance (1 of 4 stars; one submission).

Conditions:
Deafness-lymphedema-leukemia syndrome. Also called: Emberger syndrome; Lymphedema, primary, with myelodysplasia. Identifiers: Orphanet 3226, MedGen C3279664, MONDO:0013540, OMIM 614038.
Monocytopenia with susceptibility to infections. Also called: GATA2 DEFICIENCY; MONOCYTOPENIA AND MYCOBACTERIAL INFECTION SYNDROME; MONOCYTOPENIA WITH SUSCEPTIBILITY TO MYCOBACTERIAL, FUNGAL, AND PAPILLOMAVIRUS INFECTIONS AND MYELODYSPLASIA; COMBINED IMMUNODEFICIENCY WITH SUSCEPTIBILITY TO MYCOBACTERIAL, VIRAL, AND FUNGAL INFECTIONS; Dendritic cell, monocyte, B lymphocyte, and natural killer lymphocyte deficiency; IMMUNODEFICIENCY 21. Identifiers: Orphanet 228423, MedGen C3280030, MONDO:0013607, OMIM 614172.

Allele frequency attached by ClinVar (database versions not stated): gnomAD exomes below 0.00001.
gnomAD v4.1: 2 of 1,560,814 alleles (0.00013%); highest among the groups gnomAD compares: Non-Finnish European, 0.00017%; no homozygotes.

Submission:

Labcorp Genetics (formerly Invitae), Labcorp
Classification: Uncertain significance for Monocytopenia with susceptibility to infections; Deafness-lymphedema-leukemia syndrome. Last evaluated: 2023-10-26. Review status: criteria provided, single submitter. Criteria: Invitae Variant Classification Sherloc (09022015). Collection method: clinical testing. Allele origin: germline.
Comment: This sequence change replaces alanine, which is neutral and non-polar, with threonine, which is neutral and polar, at codon 131 of the GATA2 protein (p.Ala131Thr). This variant is not present in population databases (gnomAD no frequency). This variant has not been reported in the literature in individuals affected with GATA2-related conditions. Advanced modeling of protein sequence and biophysical properties (such as structural, functional, and spatial information, amino acid conservation, physicochemical variation, residue mobility, and thermodynamic stability) performed at Invitae indicates that this missense variant is not expected to disrupt GATA2 protein function with a negative predictive value of 95%. In summary, the available evidence is currently insufficient to determine the role of this variant in disease. Therefore, it has been classified as a Variant of Uncertain Significance.